The following is an entry in ClinVar:

ClinVar aggregate classification (germline): Benign/Likely benign. Review status: criteria provided, multiple submitters, no conflicts (2 of 4 stars). 7 submissions from 7 submitters: Benign (1); Likely benign (6). Last evaluated 2025-11-22.

Conditions:
Autosomal dominant aplasia and myelodysplasia. Also called: Bone marrow failure syndrome 1. Identifiers: Orphanet 314399, MedGen C3808553, MONDO:0013851, OMIM 614675.

Allele frequency attached by ClinVar (database versions not stated): ESP Exome Variant Server 0.00031; ExAC 0.00036; gnomAD exomes 0.00038 and 0.00055; gnomAD 0.00053 and 0.00058; 1000 Genomes Project 0.00060; TOPMed 0.00063; 1000 Genomes Project 30x 0.00078.
gnomAD v4.1: 889 of 1,613,694 alleles (0.055%); highest among the groups gnomAD compares: Non-Finnish European, 0.067%; no homozygotes.

Submissions (7):

Labcorp Genetics (formerly Invitae), Labcorp
Classification: Likely benign. Last evaluated: 2025-11-22. Review status: criteria provided, single submitter. Criteria: Invitae Variant Classification Sherloc (09022015). Collection method: clinical testing. Allele origin: germline.

Blueprint Genetics
Classification: Likely benign. Last evaluated: 2024-11-15. Review status: criteria provided, single submitter. Criteria: ACMG Guidelines, 2015. Collection method: clinical testing. Allele origin: germline.

Ambry Genetics
Classification: Likely benign. Last evaluated: 2024-10-04. Review status: criteria provided, single submitter. Criteria: Ambry Variant Classification Scheme 2023. Collection method: clinical testing. Allele origin: germline.

CeGaT Center for Human Genetics Tuebingen
Classification: Likely benign. Last evaluated: 2023-03-01. Review status: criteria provided, single submitter. Criteria: CeGaT Center For Human Genetics Tuebingen Variant Classification Criteria Version 2. Collection method: clinical testing. Allele origin: germline. Affected: yes. Observed: 1 variant allele.
Comment: SRP72: BP4, BP7

Fulgent Genetics
Classification: Likely benign for Autosomal dominant aplasia and myelodysplasia. Last evaluated: 2022-04-11. Review status: criteria provided, single submitter. Criteria: ACMG Guidelines, 2015. Collection method: clinical testing. Allele origin: unknown.

Genetic Services Laboratory, University of Chicago
Classification: Likely benign. Last evaluated: 2020-04-22. Review status: criteria provided, single submitter. Criteria: ACMG Guidelines, 2015. Collection method: clinical testing. Allele origin: germline. Affected: no.

Illumina Laboratory Services, Illumina
Classification: Benign for Autosomal dominant aplasia and myelodysplasia. Last evaluated: 2018-01-13. Review status: criteria provided, single submitter. Criteria: ICSL Variant Classification Criteria 13 December 2019. Collection method: clinical testing. Allele origin: germline.
Comment: This variant was observed in the ICSL laboratory as part of a predisposition screen in an ostensibly healthy population. It had not been previously curated by ICSL or reported in the Human Gene Mutation Database (HGMD: prior to June 1st, 2018), and was therefore a candidate for classification through an automated scoring system. Utilizing variant allele frequency, disease prevalence and penetrance estimates, and inheritance mode, an automated score was calculated to assess if this variant is too frequent to cause the disease. Based on the score and internal cut-off values, a variant classified as benign is not then subjected to further curation. The score for this variant resulted in a classification of benign for this disease.

NM_006947.4(SRP72):c.1704A>G (p.Pro568=)

Gene: SRP72 (signal recognition particle 72; plus strand). Cytogenetic location: 4q12.
Variant type: single nucleotide variant.
Coding change: c.1704A>G on transcript NM_006947.4 (MANE Select); coding-DNA position 1704, A replaced by G.
Protein change: p.Pro568=; no amino-acid change (proline 568 retained).
Molecular consequence: synonymous variant. On other transcripts: non-coding transcript variant (1).
Genome position (GRCh38, 1-based): chr4:56,500,561, A>G. VCF-style: chr4-56500561-A-G. GRCh37 (hg19) VCF-style: chr4-57366727-A-G.
Other names: c.1521A>G, p.Pro507= (NM_001267722.2).
Identifiers: ClinVar variation 349133 (VCV000349133.42), dbSNP rs41280351, ClinGen allele CA2931465.
Genomic context (GRCh38, chr4:56,500,561, plus strand): 5'-GACACATCTCTCATTTCTTTATAATCGTTATGCAGGAAAATTGCCTAAGAATTATGACCC[A>G]AAAGTTACCCCAGATCCAGAAAGATGGCTGCCAATGCGAGAACGTTCTTACTACCGGGGA-3'
Protein context (NP_008878.3, residues 558-578): KKGKLPKNYD[Pro568=]KVTPDPERWL